The following is an entry in ClinVar:

ClinVar aggregate classification (germline): Benign (0 of 4 stars; one submission).

Conditions:
MUC16-related disorder. Also called: MUC16-related condition.

Allele frequency attached by ClinVar (database versions not stated): gnomAD exomes 0.00046; ExAC 0.00109; gnomAD 0.00406; 1000 Genomes Project 0.00419; ESP Exome Variant Server 0.00446; TOPMed 0.00448; 1000 Genomes Project 30x 0.00453.

Submission:

PreventionGenetics, part of Exact Sciences
Classification: Benign for MUC16-related condition. Last evaluated: 2019-10-28. Review status: no assertion criteria provided. Collection method: clinical testing. Allele origin: germline.
Comment: This variant is classified as benign based on ACMG/AMP sequence variant interpretation guidelines (Richards et al. 2015 PMID: 25741868, with internal and published modifications).

NM_001401501.2(MUC16):c.5511C>T (p.Ser1837=)

Gene: MUC16 (mucin 16, cell surface associated; minus strand). Cytogenetic location: 19p13.2.
Variant type: single nucleotide variant.
Coding change: c.5511C>T on transcript NM_001401501.2 (MANE Select); coding-DNA position 5511, C replaced by T.
Protein change: p.Ser1837=; no amino-acid change (serine 1837 retained).
Molecular consequence: synonymous variant.
Genome position (GRCh38, 1-based): chr19:8,975,748, G>A on the plus strand (C>T on the coding strand, the complement: MUC16 is on the minus strand). VCF-style: chr19-8975748-G-A. GRCh37 (hg19) VCF-style: chr19-9086424-G-A.
Other names: c.5937C>T, p.Ser1979= (NM_001414686.1); c.5391C>T, p.Ser1797= (NM_001414687.1, NM_024690.2).
Identifiers: ClinVar variation 3034186 (VCV003034186.2), dbSNP rs113784648, ClinGen allele CA9172646.
Genomic context (GRCh38, chr19:8,975,748, plus strand): 5'-ATCCATAGAGGCAGTTCTGAGTTTTTCTTTTCCTGTATTTTCAGTGCTTCCCAAAGCTGT[G>A]GACATAAGGGTAGCTGAGCTGGACTCTGTCCTTGCTGAAGACTTGGAGATGTCTGAGGTC-3'
Protein context (NP_001388430.1, residues 1827-1847): RTESSSATLM[Ser1837=]TALGSTENTG